The following is an entry in ClinVar:

NM_000059.4(BRCA2):c.6124C>T (p.Gln2042Ter)

Gene: BRCA2 (BRCA2 DNA repair associated; plus strand). Cytogenetic location: 13q13.1.
Variant type: single nucleotide variant.
Coding change: c.6124C>T on transcript NM_000059.4 (MANE Select); coding-DNA position 6124, C replaced by T.
Protein change: p.Gln2042Ter; replaces glutamine 2042 with a stop codon.
Molecular consequence: nonsense.
Genome position (GRCh38, 1-based): chr13:32,340,479, C>T. VCF-style: chr13-32340479-C-T. GRCh37 (hg19) VCF-style: chr13-32914616-C-T.
Other names: 6352C>T; short protein forms Q2042*.
Identifiers: ClinVar variation 52017 (VCV000052017.35), dbSNP rs80358851, ClinGen allele CA023676.

ClinVar aggregate classification (germline): Pathogenic. Review status: reviewed by expert panel (3 of 4 stars). 14 submissions from 14 submitters: Pathogenic (1). 13 of the submissions do not count toward it. Last evaluated 2016-09-08.

Conditions:
Hereditary breast ovarian cancer syndrome. Also called: Hereditary breast and ovarian cancer syndrome; Hereditary breast and ovarian cancer; Hereditary breast and ovarian cancer syndrome (HBOC); Breast and ovarian cancer; Hereditary breast and/or ovarian cancer syndrome; BRCA1- and BRCA2-Associated Hereditary Breast and Ovarian Cancer. Identifiers: Orphanet 145, MedGen C0677776, MeSH D061325, MONDO:0003582. Disease mechanism: loss of function.
Familial cancer of breast. Also called: BREAST CANCER, FAMILIAL; Hereditary breast cancer; hereditary breast carcinoma. Identifiers: Orphanet 227535, MedGen C0346153, MONDO:0016419, OMIM 114480. Disease mechanism: loss of function.
Hereditary cancer-predisposing syndrome. Also called: Neoplastic Syndromes, Hereditary; Tumor predisposition; Hereditary neoplastic syndrome; Hereditary Cancer Syndrome. Identifiers: Orphanet 140162, MedGen C0027672, MeSH D009386, MONDO:0015356.
Breast-ovarian cancer, familial, susceptibility to, 2 (BROVCA2). Also called: BRCA2 Hereditary Breast and Ovarian Cancer. Identifiers: Orphanet 145, MedGen C2675520, MONDO:0012933, OMIM 612555. Disease mechanism: loss of function.

Allele frequency attached by ClinVar (database versions not stated): gnomAD exomes below 0.00001; TOPMed below 0.00001; ExAC 0.00001.
gnomAD v4.1: 1 of 1,613,334 alleles (0.000062%); highest among the groups gnomAD compares: South Asian, 0.0011%; no homozygotes.

Submissions (14):

Evidence-based Network for the Interpretation of Germline Mutant Alleles (ENIGMA)
Classification: Pathogenic for Breast-ovarian cancer, familial, susceptibility to, 2. Last evaluated: 2016-09-08. Review status: reviewed by expert panel. Criteria: ENIGMA BRCA1/2 Classification Criteria (2015). Collection method: curation. Allele origin: germline.
Comment: Variant allele predicted to encode a truncated non-functional protein.

Labcorp Genetics (formerly Invitae), Labcorp
Classification: Pathogenic for Hereditary breast ovarian cancer syndrome. Last evaluated: 2026-01-19. Review status: criteria provided, single submitter. Criteria: Invitae Variant Classification Sherloc (09022015). Collection method: clinical testing. Allele origin: germline. Not counted in ClinVar's aggregate classification.
Comment: This sequence change creates a premature translational stop signal (p.Gln2042*) in the BRCA2 gene. It is expected to result in an absent or disrupted protein product. Loss-of-function variants in BRCA2 are known to be pathogenic (PMID: 20104584). This variant is present in population databases (rs80358851, gnomAD 0.003%). This premature translational stop signal has been observed in individual(s) with breast or ovarian cancer (PMID: 18703817). ClinVar contains an entry for this variant (Variation ID: 52017). For these reasons, this variant has been classified as Pathogenic.

GeneKor MSA
Classification: Pathogenic for Hereditary breast ovarian cancer syndrome. Last evaluated: 2025-05-15. Review status: criteria provided, single submitter. Criteria: ACMG Guidelines, 2015. Collection method: clinical testing. Allele origin: germline. Not counted in ClinVar's aggregate classification.
Comment: This variant, located in coding exon 11 of the BRCA2 gene, is a single base substitution at nucleotide position 6124, c.(6124C>T), replacing Cytosine with a premature termination stop signal at codon 1894, p.(Gln2042*). This is expected to result in an absent or disrupted protein product. Truncating variants in BRCA2 are known to be pathogenic (PMID:20104584). This variant is present in population databases (rs80358851). In international literature it has been reported in an individual affected with breast or ovarian cancer (PMID:18703817). ClinVar contains entries for this variant where is listed as pathogenic (VCV000052017.33). Based on the classification criteria set by the ACMG and AMP (PMID:25741868) this variant has been classified as pathogenic.

Ambry Genetics
Classification: Pathogenic for Hereditary cancer-predisposing syndrome. Last evaluated: 2025-04-24. Review status: criteria provided, single submitter. Criteria: Ambry Variant Classification Scheme 2023. Collection method: clinical testing. Allele origin: germline. Not counted in ClinVar's aggregate classification.
Comment: The p.Q2042* pathogenic mutation (also known as c.6124C>T), located in coding exon 10 of the BRCA2 gene, results from a C to T substitution at nucleotide position 6124. This changes the amino acid from a glutamine to a stop codon within coding exon 10. This mutation has previously been reported in multiple families affected with hereditary breast and ovarian cancer (HBOC) syndrome (Palma MD et al. Cancer Res. 2008 Sep;68:7006-14; Litton JK et al. Cancer. 2012 Jan;118:321-5). In addition to the clinical data presented in the literature, this alteration is expected to result in loss of function by premature protein truncation or nonsense-mediated mRNA decay. As such, this alteration is interpreted as a disease-causing mutation.

ARUP Laboratories, Molecular Genetics and Genomics, ARUP Laboratories
Classification: Pathogenic. Last evaluated: 2024-11-22. Review status: criteria provided, single submitter. Criteria: ARUP Molecular Germline Variant Investigation Process 2024. Collection method: clinical testing. Allele origin: germline. Not counted in ClinVar's aggregate classification.
Comment: The BRCA2 c.6124C>T; p.Gln2042Ter variant (rs80358851, ClinVar Variation ID 52017) is reported in the literature in several individuals affected with breast and/or ovarian cancer (Carter 2018, Kechin 2023, Litton 2012, Malone 2006, Palma 2008, Tung 2015). This variant is only observed on one allele in the Genome Aggregation Database (v2.1.1), indicating it is not a common polymorphism. This variant induces an early termination codon and is predicted to result in a truncated protein or mRNA subject to nonsense-mediated decay. Based on available information, this variant is considered to be pathogenic. References: Carter NJ et al. Germline pathogenic variants identified in women with ovarian tumors. Gynecol Oncol. 2018 Dec;151(3):481-488. PMID: 30322717. Kechin A et al. A spectrum of BRCA1 and BRCA2 germline deleterious variants in ovarian cancer in Russia. Breast Cancer Res Treat. 2023 Jan;197(2):387-395. PMID: 36367610. Litton JK et al. Earlier age of onset of BRCA mutation-related cancers in subsequent generations. Cancer. 2012 Jan 15;118(2):321-5. PMID: 21913181. Malone KE et al. Prevalence and predictors of BRCA1 and BRCA2 mutations in a population-based study of breast cancer in white and black American women ages 35 to 64 years. Cancer Res. 2006 Aug 15;66(16):8297-308. PMID: 16912212. Palma MD et al. The relative contribution of point mutations and genomic rearrangements in BRCA1 and BRCA2 in high-risk breast cancer families. Cancer Res. 2008 Sep 1;68(17):7006-14. PMID: 18703817. Tung N et al. Frequency of mutations in individuals with breast cancer referred for BRCA1 and BRCA2 testing using next-generation sequencing with a 25-gene panel. Cancer. 2015 Jan 1;121(1):25-33. PMID: 25186627.

Baylor Genetics
Classification: Pathogenic for Familial cancer of breast. Last evaluated: 2024-02-21. Review status: criteria provided, single submitter. Criteria: ACMG Guidelines, 2015. Collection method: clinical testing. Allele origin: unknown. Not counted in ClinVar's aggregate classification.

All of Us Research Program, National Institutes of Health
Classification: Pathogenic for Breast-ovarian cancer, familial, susceptibility to, 2. Last evaluated: 2023-08-15. Review status: criteria provided, single submitter. Criteria: ACMG Guidelines, 2015. Collection method: clinical testing. Allele origin: germline. Inheritance: Autosomal dominant inheritance. Observed: 1 variant allele, 1 heterozygote. Not counted in ClinVar's aggregate classification.
Comment: This variant changes 1 nucleotide in exon 11 of the BRCA2 gene, creating a premature translation stop signal. This variant is expected to result in an absent or non-functional protein product. To our knowledge, functional studies have not been reported for this variant. This variant has been reported in at least four individuals and families affected with breast and/or ovarian cancer (PMID: 16912212, 17591842, 18703817, 21913181, 25186627). This variant has been identified in 1/250764 chromosomes in the general population by the Genome Aggregation Database (gnomAD). Loss of BRCA2 function is a known mechanism of disease. Based on the available evidence, this variant is classified as Pathogenic.

This study involves interpretation of variants in research participants for the purpose of population health screening. Participant phenotype was not available at the time of variant classification. Additional details can be found in publication PMID: 35346344, PMCID: PMC8962531

GeneDx
Classification: Pathogenic. Last evaluated: 2023-04-25. Review status: criteria provided, single submitter. Criteria: GeneDx Variant Classification Process June 2021. Collection method: clinical testing. Allele origin: germline. Affected: yes. Not counted in ClinVar's aggregate classification.
Comment: Nonsense variant predicted to result in protein truncation or nonsense mediated decay in a gene for which loss of function is a known mechanism of disease; Observed in individuals with a personal or family history consistent with pathogenic variants in this gene (Veschi et al., 2007; Litton et al., 2012; Carter et al., 2018); Not observed at a significant frequency in large population cohorts (gnomAD); Truncating variants in this gene are considered pathogenic by a well-established clinical consortium and/or database; Also known as 6352C>T; This variant is associated with the following publications: (PMID: 21913181, 32832836, 17591842, 18703817, 25525159, 22430266, 28152038, 29446198, 30720243, 30322717, 30787465, 34302857, 29922827)

Women's Health and Genetics/Laboratory Corporation of America, LabCorp
Classification: Pathogenic for Hereditary breast and ovarian cancer syndrome. Last evaluated: 2020-09-29. Review status: criteria provided, single submitter. Criteria: LabCorp Variant Classification Summary - May 2015. Collection method: clinical testing. Allele origin: germline. Not counted in ClinVar's aggregate classification.
Comment: Variant summary: BRCA2 c.6124C>T (p.Gln2042X) results in a premature termination codon, predicted to cause a truncation of the encoded protein or absence of the protein due to nonsense mediated decay, which are commonly known mechanisms for disease. Truncations downstream of this position have been classified as pathogenic by our laboratory. The variant allele was found at a frequency of 4e-06 in 252112 control chromosomes. c.6124C>T has been reported in the literature in multiple individuals affected with Hereditary Breast And Ovarian Cancer Syndrome (example, Malone_2006, Veschi_2007, Palma_2008, Litton_2011, Tung_2014, Finkelman_2012, Rebbeck_2018). These data indicate that the variant is very likely to be associated with disease. To our knowledge, no experimental evidence demonstrating an impact on protein function has been reported. Five clinical diagnostic laboratories and one expert panel (ENIGMA) have submitted clinical-significance assessments for this variant to ClinVar after 2014 without evidence for independent evaluation. All submitters classified the variant as pathogenic. Based on the evidence outlined above, the variant was classified as pathogenic.

Genetic Services Laboratory, University of Chicago
Classification: Pathogenic. Last evaluated: 2018-04-09. Review status: criteria provided, single submitter. Criteria: ACMG Guidelines, 2015. Collection method: clinical testing. Allele origin: germline. Affected: yes. Not counted in ClinVar's aggregate classification.

Consortium of Investigators of Modifiers of BRCA1/2 (CIMBA), c/o University of Cambridge
Classification: Pathogenic for Breast-ovarian cancer, familial, susceptibility to, 2. Last evaluated: 2015-10-02. Review status: criteria provided, single submitter. Criteria: CIMBA Mutation Classification guidelines May 2016. Collection method: clinical testing. Allele origin: germline. Not counted in ClinVar's aggregate classification.

Counsyl
Classification: Pathogenic for Breast-ovarian cancer, familial, susceptibility to, 2. Last evaluated: 2016-07-21. Review status: no assertion criteria provided. Collection method: clinical testing. Allele origin: unknown. Not counted in ClinVar's aggregate classification.

Sharing Clinical Reports Project (SCRP)
Classification: Pathogenic for Breast-ovarian cancer, familial 2. Last evaluated: 2010-07-26. Review status: no assertion criteria provided. Collection method: clinical testing. Allele origin: germline. Not counted in ClinVar's aggregate classification.

Breast Cancer Information Core (BIC) (BRCA2)
Classification: Pathogenic for Breast-ovarian cancer, familial 2. Last evaluated: 2003-12-23. Review status: no assertion criteria provided. Collection method: clinical testing. Allele origin: germline. Affected: yes. Observed: 3 variant alleles. Not counted in ClinVar's aggregate classification.

Literature cited by the submitters: PubMed 20104584 (cited by Labcorp Genetics (formerly Invitae), Labcorp and GeneKor MSA); PubMed 18703817 (cited by 6 submitters); PubMed 21913181 (cited by 4 submitters); PubMed 16912212 (cited by All of Us Research Program, National Institutes of Health and Women's Health and Genetics/Laboratory Corporation of America, LabCorp); PubMed 17591842 (cited by 3 submitters); PubMed 25186627 (cited by All of Us Research Program, National Institutes of Health and Women's Health and Genetics/Laboratory Corporation of America, LabCorp); PubMed 22430266 (cited by Women's Health and Genetics/Laboratory Corporation of America, LabCorp); PubMed 29446198 (cited by Women's Health and Genetics/Laboratory Corporation of America, LabCorp); PubMed 25525159 (cited by Counsyl).